The following is an entry in ClinVar:

NM_020163.3(SEMA3G):c.11C>T (p.Ser4Leu)

Gene: SEMA3G (semaphorin 3G; minus strand). Cytogenetic location: 3p21.1.
Variant type: single nucleotide variant.
Coding change: c.11C>T on transcript NM_020163.3 (MANE Select); coding-DNA position 11, C replaced by T.
Protein change: p.Ser4Leu; replaces serine 4 with leucine.
Molecular consequence: missense variant.
Genome position (GRCh38, 1-based): chr3:52,445,017, G>A on the plus strand (C>T on the coding strand, the complement: SEMA3G is on the minus strand). VCF-style: chr3-52445017-G-A. GRCh37 (hg19) VCF-style: chr3-52479033-G-A.
Other names: c.11C>T (NM_020163.2); short protein forms S4L.
Identifiers: ClinVar variation 2546724 (VCV002546724.3), dbSNP rs1179809855, ClinGen allele CA353162959.

ClinVar aggregate classification (germline): Uncertain significance. Review status: criteria provided, single submitter (1 of 4 stars). 2 submissions from 2 submitters: Uncertain significance (1). 1 of the submissions does not count toward it. Last evaluated 2023-05-16.

Conditions:
SEMA3G-related disorder. Also called: SEMA3G-related condition.

Allele frequency attached by ClinVar (database versions not stated): gnomAD exomes 0.00001; gnomAD 0.00002.
gnomAD v4.1: 18 of 1,282,006 alleles (0.0014%); highest among the groups gnomAD compares: South Asian, 0.017%; no homozygotes.

Submissions (2):

Ambry Genetics
Classification: Uncertain significance. Last evaluated: 2023-05-16. Review status: criteria provided, single submitter. Criteria: Ambry Variant Classification Scheme 2023. Collection method: clinical testing. Allele origin: germline.

PreventionGenetics, part of Exact Sciences
Classification: Uncertain significance for SEMA3G-related condition. Last evaluated: 2024-04-25. Review status: no assertion criteria provided. Collection method: clinical testing. Allele origin: germline. Not counted in ClinVar's aggregate classification.
Comment: The SEMA3G c.11C>T variant is predicted to result in the amino acid substitution p.Ser4Leu. To our knowledge, this variant has not been reported in the literature. This variant is reported in 0.0065% of alleles in individuals of European (Non-Finnish) descent in gnomAD. At this time, the clinical significance of this variant is uncertain due to the absence of conclusive functional and genetic evidence.